The following is an entry in ClinVar:

ClinVar aggregate classification (germline): Uncertain significance (1 of 4 stars; one submission).

Submission:

GeneDx
Classification: Uncertain significance. Last evaluated: 2025-02-22. Review status: criteria provided, single submitter. Criteria: GeneDx Variant Classification Process June 2021. Collection method: clinical testing. Allele origin: germline. Affected: yes.
Comment: Not observed at significant frequency in large population cohorts (gnomAD); In silico analysis indicates that this missense variant does not alter protein structure/function; Has not been previously published as pathogenic or benign to our knowledge

NM_003660.4(PPFIA3):c.629A>G (p.Glu210Gly)

Gene: PPFIA3 (PPFI scaffold protein A3; plus strand). Cytogenetic location: 19q13.33.
Variant type: single nucleotide variant.
Coding change: c.629A>G on transcript NM_003660.4 (MANE Select); coding-DNA position 629, A replaced by G.
Protein change: p.Glu210Gly; replaces glutamic acid 210 with glycine.
Molecular consequence: missense variant. On other transcripts: non-coding transcript variant (1).
Genome position (GRCh38, 1-based): chr19:49,130,039, A>G. VCF-style: chr19-49130039-A-G. GRCh37 (hg19) VCF-style: chr19-49633296-A-G.
Other names: short protein forms E210G.
Identifiers: ClinVar variation 4076696 (VCV004076696.1).